The following is an entry in ClinVar:

ClinVar aggregate classification (germline): Benign/Likely benign. Review status: criteria provided, multiple submitters, no conflicts (2 of 4 stars). 4 submissions from 4 submitters: Benign (1); Likely benign (3). Last evaluated 2025-02-20.

Conditions:
Hereditary cancer-predisposing syndrome. Also called: Tumor predisposition; Neoplastic Syndromes, Hereditary; Hereditary Cancer Syndrome; Hereditary neoplastic syndrome. Identifiers: Orphanet 140162, MedGen C0027672, MeSH D009386, MONDO:0015356.
Breast-ovarian cancer, familial, susceptibility to, 4. Identifiers: Orphanet 145, MedGen C3280345, MONDO:0013669, OMIM 614291.

Allele frequency attached by ClinVar (database versions not stated): ExAC 0.00001; ESP Exome Variant Server 0.00008.

Submissions (4):

Myriad Genetics, Inc.
Classification: Benign for Breast-ovarian cancer, familial, susceptibility to, 4. Last evaluated: 2025-02-20. Review status: criteria provided, single submitter. Criteria: Myriad Autosomal Dominant, Autosomal Recessive and X-Linked Classification Criteria (2023). Collection method: clinical testing. Allele origin: unknown.
Comment: This variant is considered benign. This variant is a silent/synonymous amino acid change and it is not expected to impact splicing.

Labcorp Genetics (formerly Invitae), Labcorp
Classification: Likely benign for Breast-ovarian cancer, familial, susceptibility to, 4. Last evaluated: 2024-06-12. Review status: criteria provided, single submitter. Criteria: Invitae Variant Classification Sherloc (09022015). Collection method: clinical testing. Allele origin: germline.

CeGaT Center for Human Genetics Tuebingen
Classification: Likely benign. Last evaluated: 2022-11-01. Review status: criteria provided, single submitter. Criteria: CeGaT Center For Human Genetics Tuebingen Variant Classification Criteria Version 2. Collection method: clinical testing. Allele origin: germline. Affected: yes. Observed: 1 variant allele.
Comment: RAD51D: PM2:Supporting, BP4, BP7

Ambry Genetics
Classification: Likely benign for Hereditary cancer-predisposing syndrome. Last evaluated: 2016-06-20. Review status: criteria provided, single submitter. Criteria: Ambry Variant Classification Scheme 2023. Collection method: clinical testing. Allele origin: germline.

NM_002878.4(RAD51D):c.231C>G (p.Thr77=)

Genes: RAD51D (RAD51 paralog D; minus strand), RAD51L3-RFFL (RAD51L3-RFFL readthrough; minus strand). Cytogenetic location: 17q12.
Variant type: single nucleotide variant.
Coding change: c.231C>G on transcript NM_002878.4 (MANE Select); coding-DNA position 231, C replaced by G.
Protein change: p.Thr77=; no amino-acid change (threonine 77 retained).
Molecular consequence: synonymous variant. On other transcripts: intron variant (2).
Genome position (GRCh38, 1-based): chr17:35,118,533, G>C on the plus strand (C>G on the coding strand, the complement: RAD51D is on the minus strand). VCF-style: chr17-35118533-G-C. GRCh37 (hg19) VCF-style: chr17-33445552-G-C.
Other names: c.144+578C>G (NM_133629.3, NM_001142571.2).
Identifiers: ClinVar variation 185167 (VCV000185167.39), dbSNP rs376670250, ClinGen allele CA191211.